The following is an entry in ClinVar:

NM_004360.5(CDH1):c.832+10C>T

Gene: CDH1 (cadherin 1; plus strand). Cytogenetic location: 16q22.1.
Variant type: single nucleotide variant.
Coding change: c.832+10C>T on transcript NM_004360.5 (MANE Select); 10 bases into the intron after coding-DNA position 832, C replaced by T.
Molecular consequence: intron variant.
Genome position (GRCh38, 1-based): chr16:68,810,351, C>T. VCF-style: chr16-68810351-C-T. GRCh37 (hg19) VCF-style: chr16-68844254-C-T.
Other names: c.-784+10C>T (NM_001317185.2); c.-988+10C>T (NM_001317186.2); c.832+10C>T (NM_001317184.2).
Identifiers: ClinVar variation 3378635 (VCV003378635.1).

ClinVar aggregate classification (germline): Likely benign (1 of 4 stars; one submission).

Conditions:
Hereditary diffuse gastric adenocarcinoma (HDGC). Also called: DIFFUSE GASTRIC AND LOBULAR BREAST CANCER SYNDROME. Identifiers: Orphanet 26106, MedGen C1708349, MONDO:0007648, OMIM 137215.

Submission:

Myriad Genetics, Inc.
Classification: Likely benign for Hereditary diffuse gastric adenocarcinoma. Last evaluated: 2024-09-16. Review status: criteria provided, single submitter. Criteria: Myriad Autosomal Dominant, Autosomal Recessive and X-Linked Classification Criteria (2023). Collection method: clinical testing. Allele origin: unknown.
Comment: This variant is considered likely benign. This variant is intronic and is not expected to impact mRNA splicing.